The following is an entry in ClinVar:

ClinVar aggregate classification (germline): Uncertain significance (1 of 4 stars; one submission).

Conditions:
Rhabdoid tumor predisposition syndrome 2 (RTPS2). Identifiers: Orphanet 231108, Orphanet 69077, MedGen C2750074, MONDO:0013224, OMIM 613325.

Submission:

Labcorp Genetics (formerly Invitae), Labcorp
Classification: Uncertain significance for Rhabdoid tumor predisposition syndrome 2. Last evaluated: 2023-09-15. Review status: criteria provided, single submitter. Criteria: Invitae Variant Classification Sherloc (09022015). Collection method: clinical testing. Allele origin: germline.
Comment: Information on the frequency of this variant in the gnomAD database is not available, as this variant may be reported differently in the database. In summary, the available evidence is currently insufficient to determine the role of this variant in disease. Therefore, it has been classified as a Variant of Uncertain Significance. An algorithm developed to predict the effect of missense changes on protein structure and function (PolyPhen-2) suggests that this variant is likely to be disruptive. This variant has not been reported in the literature in individuals affected with SMARCA4-related conditions. This sequence change replaces serine, which is neutral and polar, with cysteine, which is neutral and slightly polar, at codon 721 of the SMARCA4 protein (p.Ser721Cys).

NM_003072.5(SMARCA4):c.2162_2163delinsGT (p.Ser721Cys)

Gene: SMARCA4 (SWI/SNF related BAF chromatin remodeling complex subunit ATPase 4; plus strand). Cytogenetic location: 19p13.2.
Variant type: Indel.
Coding change: c.2162_2163delinsGT on transcript NM_003072.5 (MANE Select); coding-DNA positions 2162 to 2163, CC replaced by GT.
Protein change: p.Ser721Cys; replaces serine 721 with cysteine.
Molecular consequence: missense variant. On other transcripts: non-coding transcript variant (1).
Genome position (GRCh38, 1-based): chr19:11,010,419-11,010,420, CC replaced by GT. VCF-style: chr19-11010419-CC-GT. GRCh37 (hg19) VCF-style: chr19-11121095-CC-GT.
Other names: c.2162_2163delinsGT, p.Ser721Cys (NM_001128844.3, NM_001128845.2, NM_001128846.2 and 6 more transcripts); short protein forms S721C.
Identifiers: ClinVar variation 2760773 (VCV002760773.3), dbSNP rs2514634451, ClinGen allele CA2697556302.
Genomic context (GRCh38, chr19:11,010,419, plus strand): 5'-GGCACCTCCATCTCACTCCCAGGAATGCCAAGCAAGATGTCGATGATGAATATGGCGTGT[CC>GT]CAGGCCCTTGCACGTGGCCTGCAGTCCTACTATGCCGTGGCCCATGCTGTCACTGAGAGA-3'
Protein context (NP_003063.2, residues 711-731): KQDVDDEYGV[Ser721Cys]QALARGLQSY